The following is an entry in ClinVar:

NM_139058.3(ARX):c.1208C>T (p.Pro403Leu)

Gene: ARX (aristaless related homeobox; minus strand). Cytogenetic location: Xp21.3.
Variant type: single nucleotide variant.
Coding change: c.1208C>T on transcript NM_139058.3 (MANE Select); coding-DNA position 1208, C replaced by T.
Protein change: p.Pro403Leu; replaces proline 403 with leucine.
Molecular consequence: missense variant.
Genome position (GRCh38, 1-based): chrX:25,007,351, G>A on the plus strand (C>T on the coding strand, the complement: ARX is on the minus strand). VCF-style: chrX-25007351-G-A. GRCh37 (hg19) VCF-style: chrX-25025468-G-A.
Other names: short protein forms P403L.
Identifiers: ClinVar variation 5017018 (VCV005017018.1).

ClinVar aggregate classification (germline): Uncertain significance (1 of 4 stars; one submission).

gnomAD v4.1: 1 of 1,145,609 alleles (0.000087%); highest among the groups gnomAD compares: South Asian, 0.002%; no homozygotes.

Submission:

GeneDx
Classification: Uncertain significance. Last evaluated: 2026-03-22. Review status: criteria provided, single submitter. Criteria: GeneDx Variant Classification Process June 2021. Collection method: clinical testing. Allele origin: germline.
Comment: Not observed at significant frequency in large population cohorts (gnomAD); In silico analysis supports that this missense variant has a deleterious effect on protein structure/function; Has not been previously published as pathogenic or benign to our knowledge